The following is an entry in ClinVar:

ClinVar aggregate classification (germline): Pathogenic. Review status: reviewed by expert panel (3 of 4 stars). 9 submissions from 9 submitters: Pathogenic (1). 8 of the submissions do not count toward it. Last evaluated 2017-03-17.

Conditions:
CFTR-related disorder (CFTR-RD). Also called: CFTR-related disorders; CFTR-related condition. Identifiers: MedGen C5924204, MONDO:7770004.
Cystic fibrosis (CF). Also called: MUCOVISCIDOSIS. Identifiers: Orphanet 586, MedGen C0010674, MONDO:0009061, OMIM 219700. Disease mechanism: loss of function.

gnomAD v4.1: 3 of 1,594,452 alleles (0.00019%); highest among the groups gnomAD compares: Non-Finnish European, 0.00026%; no homozygotes.

Submissions (9):

CFTR2
Classification: Pathogenic for Cystic fibrosis. Last evaluated: 2017-03-17. Review status: reviewed by expert panel. Criteria: Sosnay PR et al. (Nat Genet 2013). Collection method: research. Allele origin: germline. Affected: yes. Study: CFTR2.

Natera, Inc.
Classification: Pathogenic for CFTR-related disorders. Last evaluated: 2025-08-05. Review status: criteria provided, single submitter. Criteria: Natera Variant Classification Schema (03/2026). Collection method: clinical testing. Allele origin: germline. Not counted in ClinVar's aggregate classification.
Comment: The c.4144C>T variant in CFTR is a nonsense variant predicted to introduce a stop codon at amino acid 1382. This variant is expected to result in nonsense mediated decay, truncation, or a dysfunctional protein product. This variant is rare in the general population with a frequency below the threshold expected for the associated phenotype(s). This variant has been observed in one or more individuals affected with the associated recessive disease, as either homozygous or compound heterozygous with a second variant (PMID: 24586523, 28106773). Given the available evidence, this variant is classified as Pathogenic.

Ambry Genetics
Classification: Pathogenic for Cystic fibrosis. Last evaluated: 2023-10-17. Review status: criteria provided, single submitter. Criteria: Ambry Variant Classification Scheme 2023. Collection method: clinical testing. Allele origin: germline. Not counted in ClinVar's aggregate classification.
Comment: The p.Q1382* pathogenic mutation (also known as c.4144C>T), located in coding exon 26 of the CFTR gene, results from a C to T substitution at nucleotide position 4144. This changes the amino acid from a glutamine to a stop codon within coding exon 26. This mutation has been reported in cystic fibrosis cohorts, including cases with additional CFTR mutations confirmed in trans (Claustres M et al. Hum. Mutat., 2000;16:143-56; Krzyanowska P et al. Sci Rep, 2015 Jul;5:12000; Zitkiewicz E et al. PLoS ONE, 2014 Feb;9:e89094). In one study, functional studies demonstrated significantly reduced protein function (Sharma N et al. PLoS Genet., 2018 11;14:e1007723). In addition to the clinical data presented in the literature, this alteration is expected to result in loss of function by premature protein truncation or nonsense-mediated mRNA decay. As such, this alteration is interpreted as a disease-causing mutation.

Labcorp Genetics (formerly Invitae), Labcorp
Classification: Pathogenic for Cystic fibrosis. Last evaluated: 2023-08-01. Review status: criteria provided, single submitter. Criteria: Invitae Variant Classification Sherloc (09022015). Collection method: clinical testing. Allele origin: germline. Not counted in ClinVar's aggregate classification.
Comment: For these reasons, this variant has been classified as Pathogenic. ClinVar contains an entry for this variant (Variation ID: 53902). This premature translational stop signal has been observed in individual(s) with cystic fibrosis (PMID: 24586523). This variant is not present in population databases (gnomAD no frequency). This sequence change creates a premature translational stop signal (p.Gln1382*) in the CFTR gene. It is expected to result in an absent or disrupted protein product. Loss-of-function variants in CFTR are known to be pathogenic (PMID: 1695717, 7691345, 9725922).

Institute of Human Genetics, University of Leipzig Medical Center
Classification: Pathogenic for Cystic fibrosis. Last evaluated: 2022-09-05. Review status: criteria provided, single submitter. Criteria: ACMG Guidelines, 2015. Collection method: curation. Allele origin: unknown. Affected: yes. Observed: 1 variant allele. Not counted in ClinVar's aggregate classification.
Comment: The variant was classified in the context of a project re-classifying variants in the German Cystic Fibrosis Registry (Muko.e.V.). Criteria applied: PVS1, PS3_SUP, PM2_SUP, PM3_STR, PP4

CeGaT Center for Human Genetics Tuebingen
Classification: Pathogenic. Last evaluated: 2018-07-01. Review status: criteria provided, single submitter. Criteria: CeGaT Center For Human Genetics Tuebingen Variant Classification Criteria Version 2. Collection method: clinical testing. Allele origin: germline. Affected: yes. Observed: 1 variant allele. Not counted in ClinVar's aggregate classification.

CFTR-France
Classification: Pathogenic for cystic fibrosis. Last evaluated: 2018-01-29. Review status: criteria provided, single submitter. Criteria: Claustres M et al. (Hum Mutat 2017). Collection method: curation. Allele origin: germline. Affected: yes. Not counted in ClinVar's aggregate classification.

Women's Health and Genetics/Laboratory Corporation of America, LabCorp
Classification: Pathogenic for Cystic fibrosis. Last evaluated: 2016-01-26. Review status: criteria provided, single submitter. Criteria: LabCorp Variant Classification Summary - May 2015. Collection method: clinical testing. Allele origin: germline. Not counted in ClinVar's aggregate classification.
Comment: Variant summary: The c.4144C>T variant results in a premature termination codon, predicted to cause a truncated or absent CFTR protein, which is a commonly known mechanism for disease. Mutation taster predicts the variant to be disease causing. The variant is absent from the large and broad cohorts of the ExAC project while it was observed in several CF patients indicating pathogenicity. In two of the reported patient, the variant was found in compound heterozygosity with other pathogenic CFTR mutations Ser1196X and F508del respectively, further supporting a deleterious impact. Moreover, reputable databases lists variant as pathogenic. Considering all evidence, the variant was classified as Pathogenic.

Counsyl
Classification: Pathogenic for Cystic fibrosis. Last evaluated: 2017-06-23. Review status: no assertion criteria provided. Collection method: clinical testing. Allele origin: unknown. Not counted in ClinVar's aggregate classification.

Literature cited by the submitters: PubMed 24586523 (cited by 4 submitters); PubMed 28106773 (cited by Natera, Inc.); PubMed 10923036 (cited by Ambry Genetics and Women's Health and Genetics/Laboratory Corporation of America, LabCorp); PubMed 17095337 (cited by Ambry Genetics and Women's Health and Genetics/Laboratory Corporation of America, LabCorp); PubMed 26160248 (cited by 3 submitters); PubMed 30444886 (cited by Ambry Genetics); PubMed 1695717 (cited by Labcorp Genetics (formerly Invitae), Labcorp); PubMed 7691345 (cited by Labcorp Genetics (formerly Invitae), Labcorp); PubMed 9725922 (cited by Labcorp Genetics (formerly Invitae), Labcorp).

NM_000492.4(CFTR):c.4144C>T (p.Gln1382Ter)

Gene: CFTR (CF transmembrane conductance regulator; plus strand). Cytogenetic location: 7q31.2.
Variant type: single nucleotide variant.
Coding change: c.4144C>T on transcript NM_000492.4 (MANE Select); coding-DNA position 4144, C replaced by T.
Protein change: p.Gln1382Ter; replaces glutamine 1382 with a stop codon.
Molecular consequence: nonsense.
Genome position (GRCh38, 1-based): chr7:117,665,466, C>T. VCF-style: chr7-117665466-C-T. GRCh37 (hg19) VCF-style: chr7-117305520-C-T.
Other names: short protein forms Q1382*.
Identifiers: ClinVar variation 53902 (VCV000053902.53), dbSNP rs397508684, ClinGen allele CA327424.
Genomic context (GRCh38, chr7:117,665,466, plus strand): 5'-ACAGATCATTACTGTTCTGTGATATTATGTGTGGTATTTTCTTTCTTTTCTAGAACATAC[C>T]AAATAATTAGAAGAACTCTAAAACAAGCATTTGCTGATTGCACAGTAATTCTCTGTGAAC-3'